The following is an entry in ClinVar:

ClinVar aggregate classification (germline): Uncertain significance. Review status: criteria provided, multiple submitters, no conflicts (2 of 4 stars). 2 submissions from 2 submitters: Uncertain significance (2). Last evaluated 2025-02-17.

Conditions:
Cardiovascular phenotype. Identifiers: MedGen CN230736.
Arrhythmogenic cardiomyopathy with wooly hair and keratoderma. Also called: Carvajal syndrome; PALMOPLANTAR KERATODERMA WITH LEFT VENTRICULAR CARDIOMYOPATHY AND WOOLLY HAIR; Dilated cardiomyopathy with woolly hair and keratoderma; Arrhythmogenic cardiomyopathy with woolly hair and keratoderma. Identifiers: Orphanet 65282, MedGen C1854063, MONDO:0011581, OMIM 605676.

Submissions (2):

Molecular Diagnostic Laboratory for Inherited Cardiovascular Disease, Montreal Heart Institute
Classification: Uncertain significance for Cardiovascular phenotype. Last evaluated: 2025-02-17. Review status: criteria provided, single submitter. Criteria: ACMG Guidelines, 2015. Collection method: clinical testing. Allele origin: germline. Affected: yes.
Comment: PM2

All of Us Research Program, National Institutes of Health
Classification: Uncertain significance for Arrhythmogenic cardiomyopathy with wooly hair and keratoderma. Last evaluated: 2023-04-03. Review status: criteria provided, single submitter. Criteria: ACMG Guidelines, 2015. Collection method: clinical testing. Allele origin: germline. Inheritance: Autosomal dominant inheritance. Observed: 1 variant allele, 1 heterozygote.
Comment: This missense variant replaces lysine with methionine at codon 1165 of the DSP protein. Computational prediction suggests that this variant may not impact protein structure and function (internally defined REVEL score threshold <= 0.5, PMID: 27666373). To our knowledge, functional studies have not been reported for this variant. This variant has not been reported in individuals affected with DSP-related disorders in the literature. This variant has not been identified in the general population by the Genome Aggregation Database (gnomAD). The available evidence is insufficient to determine the role of this variant in disease conclusively. Therefore, this variant is classified as a Variant of Uncertain Significance.

This study involves interpretation of variants in research participants for the purpose of population health screening. Participant phenotype was not available at the time of variant classification. Additional details can be found in publication PMID: 35346344, PMCID: PMC8962531

NM_004415.4(DSP):c.3494A>T (p.Lys1165Met)

Gene: DSP (desmoplakin; plus strand). Cytogenetic location: 6p24.3.
Variant type: single nucleotide variant.
Coding change: c.3494A>T on transcript NM_004415.4 (MANE Select); coding-DNA position 3494, A replaced by T.
Protein change: p.Lys1165Met; replaces lysine 1165 with methionine.
Molecular consequence: missense variant.
Genome position (GRCh38, 1-based): chr6:7,579,684, A>T. VCF-style: chr6-7579684-A-T. GRCh37 (hg19) VCF-style: chr6-7579917-A-T.
Other names: c.3494A>T, p.Lys1165Met (NM_001008844.3, NM_001319034.2); c.3494A>T (NM_004415.3); short protein forms K1165M.
Identifiers: ClinVar variation 3070090 (VCV003070090.2), dbSNP rs2533923968, ClinGen allele CA362684191.